The following is an entry in ClinVar:

NM_147127.5(EVC2):c.3273-2del

Gene: EVC2 (EvC ciliary complex subunit 2; minus strand). Cytogenetic location: 4p16.2.
Variant type: Deletion.
Coding change: c.3273-2del on transcript NM_147127.5 (MANE Select); the canonical splice acceptor site of the intron before coding-DNA position 3273, one base deleted (A; older notation c.3273-2delA).
Molecular consequence: splice acceptor variant.
Genome position (GRCh38, 1-based): chr4:5,574,774, T deleted on the plus strand (A on the coding strand, the reverse complement: EVC2 is on the minus strand). VCF-style (leftmost placement, unchanged base first): chr4-5574773-CT-C. GRCh37 (hg19) VCF-style: chr4-5576500-CT-C.
Other names: c.3033-2del (NM_001166136.2).
Identifiers: ClinVar variation 852615 (VCV000852615.9), dbSNP rs768380281, ClinGen allele CA2834373.

ClinVar aggregate classification (germline): Likely pathogenic (1 of 4 stars; one submission).

Conditions:
Ellis-van Creveld syndrome (EVC). Also called: MESOECTODERMAL DYSPLASIA; EVC-Related Ellis-van Creveld Syndrome; EVC2-Related Ellis-van Creveld Syndrome; Chondroectodermal dysplasia. Identifiers: Orphanet 289, MedGen C0013903, MONDO:0009162, OMIM 225500.
Curry-Hall syndrome (WAD). Also called: WEYERS ACRODENTAL DYSOSTOSIS. Identifiers: Orphanet 952, MedGen C0457013, MONDO:0008673, OMIM 193530.

Allele frequency attached by ClinVar (database versions not stated): gnomAD exomes below 0.00001; ExAC 0.00001.

Submission:

Labcorp Genetics (formerly Invitae), Labcorp
Classification: Likely pathogenic for Curry-Hall syndrome; Ellis-van Creveld syndrome. Last evaluated: 2022-05-27. Review status: criteria provided, single submitter. Criteria: Invitae Variant Classification Sherloc (09022015). Collection method: clinical testing. Allele origin: germline.
Comment: This sequence change affects a splice site in intron 18 of the EVC2 gene. It is expected to disrupt RNA splicing. Variants that disrupt the donor or acceptor splice site typically lead to a loss of protein function (PMID: 16199547), and loss-of-function variants in EVC2 are known to be pathogenic (PMID: 17024374, 19810119, 19876929). In summary, the currently available evidence indicates that the variant is pathogenic, but additional data are needed to prove that conclusively. Therefore, this variant has been classified as Likely Pathogenic. Algorithms developed to predict the effect of sequence changes on RNA splicing suggest that this variant may disrupt the consensus splice site. ClinVar contains an entry for this variant (Variation ID: 852615). This variant has not been reported in the literature in individuals affected with EVC2-related conditions. This variant is present in population databases (rs768380281, gnomAD 0.006%).

Literature cited by the submitters: PubMed 16199547; PubMed 17024374; PubMed 19810119; PubMed 19876929.